The following is an entry in ClinVar:

ClinVar aggregate classification (germline): Uncertain significance. Review status: criteria provided, multiple submitters, no conflicts (2 of 4 stars). 2 submissions from 2 submitters: Uncertain significance (2). Last evaluated 2021-12-21.

Conditions:
Charcot-Marie-Tooth disease X-linked dominant 1. Also called: HEREDITARY MOTOR AND SENSORY NEUROPATHY, X-LINKED; HMSN, X-LINKED; Charcot-Marie-Tooth Neuropathy X Type 1; X-linked Charcot-Marie-Tooth disease type 1; GJB1 Disorders: Charcot-Marie-Tooth Neuropathy (CMT1X) and Central Nervous System Phenotypes; CHARCOT-MARIE-TOOTH NEUROPATHY, X-LINKED, 1. Identifiers: Orphanet 101075, MedGen C0393808, MONDO:0010549, OMIM 302800.

Submissions (2):

Institute of Human Genetics, University of Leipzig Medical Center
Classification: Uncertain significance for Charcot-Marie-Tooth disease X-linked dominant 1. Last evaluated: 2021-12-21. Review status: criteria provided, single submitter. Criteria: ACMG Guidelines, 2015. Collection method: clinical testing. Allele origin: unknown. Affected: yes.
Comment: Despite strong evidence for its pathogenicity, this variant has to be classified as of unknown significance, according to the ACMG-criteria (Richards et al., 2015)_x000D_ Criteria applied: PM1, PM2_SUP, PP3

Blueprint Genetics
Classification: Uncertain significance. Last evaluated: 2019-11-18. Review status: criteria provided, single submitter. Criteria: ACMG Guidelines, 2015. Collection method: clinical testing. Allele origin: germline.

NM_000166.6(GJB1):c.619G>C (p.Ala207Pro)

Gene: GJB1 (gap junction protein beta 1; plus strand). Cytogenetic location: Xq13.1.
Variant type: single nucleotide variant.
Coding change: c.619G>C on transcript NM_000166.6 (MANE Select); coding-DNA position 619, G replaced by C.
Protein change: p.Ala207Pro; replaces alanine 207 with proline.
Molecular consequence: missense variant.
Genome position (GRCh38, 1-based): chrX:71,224,326, G>C. VCF-style: chrX-71224326-G-C. GRCh37 (hg19) VCF-style: chrX-70444176-G-C.
Other names: c.619G>C, p.Ala207Pro (NM_001097642.3); short protein forms A207P.
Identifiers: ClinVar variation 1329876 (VCV001329876.2), dbSNP rs2147946898, ClinGen allele CA413503312.
Genomic context (GRCh38, chrX:71,224,326, plus strand): 5'-AAAACCGTCTTCACCGTCTTCATGCTAGCTGCCTCTGGCATCTGCATCATCCTCAATGTG[G>C]CCGAGGTGGTGTACCTCATCATCCGGGCCTGTGCCCGCCGAGCCCAGCGCCGCTCCAATC-3'
Protein context (NP_000157.1, residues 197-217): ASGICIILNV[Ala207Pro]EVVYLIIRAC